The following is an entry in ClinVar:

NM_018006.5(TRMU):c.77_82+16dup

Gene: TRMU (tRNA mitochondrial 2-thiouridylase; plus strand). Cytogenetic location: 22q13.31.
Variant type: Duplication.
Coding change: c.77_82+16dup on transcript NM_018006.5 (MANE Select); coding-DNA position 77 through 16 bases into the intron after coding-DNA position 82, 22 bases duplicated (GGAGAGGTGAGGCGTCCGAGGC).
Molecular consequence: splice donor variant.
Genome position (GRCh38, 1-based): chr22:46,335,841-46,335,862, GGAGAGGTGAGGCGTCCGAGGC duplicated; duplicating any 22 consecutive bases within chr22:46,335,836-46,335,862 gives the same sequence; the c. name uses the placement nearest the transcript's 3' end. VCF-style (leftmost placement, unchanged base first): chr22-46335835-T-TGAGGCGGAGAGGTGAGGCGTCC. GRCh37 (hg19) VCF-style: chr22-46731732-T-TGAGGCGGAGAGGTGAGGCGTCC.
Other names: c.77_82+16dup (NM_001282785.2); c.-159_-154+16dup (NM_001282782.2); c.-178_-173+16dup (NM_001282783.2, NM_001282784.2).
Identifiers: ClinVar variation 1723352 (VCV001723352.1), dbSNP rs772259974, ClinGen allele CA10291919.

ClinVar aggregate classification (germline): Uncertain significance (1 of 4 stars; one submission).

Submission:

Women's Health and Genetics/Laboratory Corporation of America, LabCorp
Classification: Uncertain significance. Last evaluated: 2022-10-19. Review status: criteria provided, single submitter. Criteria: LabCorp Variant Classification Summary - May 2015. Collection method: clinical testing. Allele origin: germline.
Comment: Variant summary: TRMU c.77_82+16dup22 may result in a frameshift or unchanged protein, depending on whether the original splicing site or the created splicing site is utilized. The variant allele was found at a frequency of 2.7e-05 in 147998 control chromosomes. To our knowledge, no occurrence of c.77_82+16dup22 in individuals affected with Liver Failure Acute Infantile, Transient and no experimental evidence demonstrating its impact on protein function have been reported. No clinical diagnostic laboratories have submitted clinical-significance assessments for this variant to ClinVar after 2014. Based on the evidence outlined above, the variant was classified as VUS.